The following is an entry in ClinVar:

NM_003907.3(EIF2B5):c.692_702del (p.Leu230_Phe231insTer)

Gene: EIF2B5 (eukaryotic translation initiation factor 2B subunit epsilon; plus strand). Cytogenetic location: 3q27.1.
Variant type: Deletion.
Coding change: c.692_702del on transcript NM_003907.3 (MANE Select); coding-DNA positions 692 to 702, 11 bases deleted (TTCAGGGCAGT).
Protein change: p.Leu230_Phe231insTer.
Molecular consequence: nonsense.
Genome position (GRCh38, 1-based): chr3:184,138,173-184,138,183, TTCAGGGCAGT deleted; deleting any 11 consecutive bases within chr3:184,138,171-184,138,183 gives the same sequence; the c. name uses the placement nearest the transcript's 3' end. VCF-style (leftmost placement, unchanged base first): chr3-184138170-TGTTTCAGGGCA-T. GRCh37 (hg19) VCF-style: chr3-183855958-TGTTTCAGGGCA-T.
Identifiers: ClinVar variation 2768396 (VCV002768396.3), dbSNP rs2473661903, ClinGen allele CA2697557007.

ClinVar aggregate classification (germline): Pathogenic (1 of 4 stars; one submission).

Submission:

Labcorp Genetics (formerly Invitae), Labcorp
Classification: Pathogenic. Last evaluated: 2023-10-14. Review status: criteria provided, single submitter. Criteria: Invitae Variant Classification Sherloc (09022015). Collection method: clinical testing. Allele origin: germline.
Comment: This sequence change creates a premature translational stop signal (p.Phe231*) in the EIF2B5 gene. It is expected to result in an absent or disrupted protein product. Loss-of-function variants in EIF2B5 are known to be pathogenic (PMID: 11704758, 15060152, 21307862). This variant is not present in population databases (gnomAD no frequency). This variant has not been reported in the literature in individuals affected with EIF2B5-related conditions. For these reasons, this variant has been classified as Pathogenic.

Literature cited by the submitters: PubMed 11704758; PubMed 15060152; PubMed 21307862.